The following is an entry in ClinVar:

ClinVar aggregate classification (germline): Uncertain significance (1 of 4 stars; one submission).

Submission:

Labcorp Genetics (formerly Invitae), Labcorp
Classification: Uncertain significance. Last evaluated: 2023-09-12. Review status: criteria provided, single submitter. Criteria: Invitae Variant Classification Sherloc (09022015). Collection method: clinical testing. Allele origin: germline.
Comment: Experimental studies and prediction algorithms are not available or were not evaluated, and the functional significance of this variant is currently unknown. In summary, the available evidence is currently insufficient to determine the role of this variant in disease. Therefore, it has been classified as a Variant of Uncertain Significance. ClinVar contains an entry for this variant (Variation ID: 639402). This premature translational stop signal has been observed in individual(s) with breast cancer (PMID: 32051609). This variant is not present in population databases (gnomAD no frequency). This sequence change creates a premature translational stop signal (p.Ala822Profs*4) in the CTNNA1 gene. While this is not anticipated to result in nonsense mediated decay, it is expected to disrupt the last 85 amino acid(s) of the CTNNA1 protein.

Literature cited by the submitters: PubMed 32051609.

NM_001903.5(CTNNA1):c.2443_2462dup (p.Ala821_Ala822insProCysProTer)

Gene: CTNNA1 (catenin alpha 1; plus strand). Cytogenetic location: 5q31.2.
Variant type: Duplication.
Coding change: c.2443_2462dup on transcript NM_001903.5 (MANE Select); coding-DNA positions 2443 to 2462, 20 bases duplicated (GCCATGTCCCTGATCCAGGC).
Protein change: p.Ala821_Ala822insProCysProTer.
Molecular consequence: nonsense, inframe insertion. On other transcripts: splice acceptor variant (1).
Genome position (GRCh38, 1-based): chr5:138,933,811-138,933,830, GCCATGTCCCTGATCCAGGC duplicated; duplicating any 20 consecutive bases within chr5:138,933,809-138,933,830 gives the same sequence; the c. name uses the placement nearest the transcript's 3' end. VCF-style (leftmost placement, unchanged base first): chr5-138933808-A-AGCGCCATGTCCCTGATCCAG. GRCh37 (hg19) VCF-style: chr5-138269497-A-AGCGCCATGTCCCTGATCCAG.
Other names: c.2134_2153dup, p.Ala718_Ala719insProCysProTer (NM_001290309.3); c.2074_2093dup, p.Ala698_Ala699insProCysProTer (NM_001290310.3); c.1333_1352dup, p.Ala451_Ala452insProCysProTer (NM_001290312.1, NM_001323987.1, NM_001323988.1 and 12 more transcripts); c.2443_2462dup, p.Ala821_Ala822insProCysProTer (NM_001323982.2, NM_001323983.1, NM_001323984.2); c.2350_2369dup, p.Ala790_Ala791insProCysProTer (NM_001323986.2); c.1198_1217dup, p.Ala406_Ala407insProCysProTer (NM_001324001.1); c.994_1013dup, p.Ala338_Ala339insProCysProTer (NM_001324006.1, NM_001324007.1, NM_001324008.1 and 2 more transcripts); c.1240_1259dup, p.Ala420_Ala421insProCysProTer (NM_001324011.1); and 2 more.
Identifiers: ClinVar variation 639402 (VCV000639402.8), dbSNP rs1580943823, ClinGen allele CA915942580.
Genomic context (GRCh38, chr5:138,933,808, plus strand): 5'-CCACGAGGCTGGAGGTCAGGCCGGTGCTTCTTACCACCCCTGTCTGCCTCGTAGGTGGAC[A>AGCGCCATGTCCCTGATCCAG]GCGCCATGTCCCTGATCCAGGCAGCCAAGAACTTGATGAATGCTGTGGTGCAGACAGTGA-3'